The following is an entry in ClinVar:

ClinVar aggregate classification (germline): Uncertain significance (1 of 4 stars; one submission).

Allele frequency attached by ClinVar (database versions not stated): gnomAD exomes below 0.00001; TOPMed 0.00001; ExAC 0.00002; gnomAD 0.00003; ESP Exome Variant Server 0.00008.

Submission:

Ambry Genetics
Classification: Uncertain significance. Last evaluated: 2023-11-08. Review status: criteria provided, single submitter. Criteria: Ambry Variant Classification Scheme 2023. Collection method: clinical testing. Allele origin: germline.
Comment: The p.E1038V variant (also known as c.3113A>T), located in coding exon 4 of the ALPK2 gene, results from an A to T substitution at nucleotide position 3113. The glutamic acid at codon 1038 is replaced by valine, an amino acid with dissimilar properties. This amino acid position is conserved. In addition, this alteration is predicted to be tolerated by in silico analysis. Since supporting evidence is limited at this time, the clinical significance of this alteration remains unclear.

NM_052947.4(ALPK2):c.3113A>T (p.Glu1038Val)

Gene: ALPK2 (alpha kinase 2; minus strand). Cytogenetic location: 18q21.31.
Variant type: single nucleotide variant.
Coding change: c.3113A>T on transcript NM_052947.4 (MANE Select); coding-DNA position 3113, A replaced by T.
Protein change: p.Glu1038Val; replaces glutamic acid 1038 with valine.
Molecular consequence: missense variant.
Genome position (GRCh38, 1-based): chr18:58,537,074, T>A on the plus strand (A>T on the coding strand, the complement: ALPK2 is on the minus strand). VCF-style: chr18-58537074-T-A. GRCh37 (hg19) VCF-style: chr18-56204306-T-A.
Other names: short protein forms E1038V.
Identifiers: ClinVar variation 1727775 (VCV001727775.2), dbSNP rs139881565, ClinGen allele CA8976959.